The following is an entry in ClinVar:

NM_001849.4(COL6A2):c.928-2A>G

Gene: COL6A2 (collagen type VI alpha 2 chain; plus strand). Cytogenetic location: 21q22.3.
Variant type: single nucleotide variant.
Coding change: c.928-2A>G on transcript NM_001849.4 (MANE Select); the canonical splice acceptor site of the intron before coding-DNA position 928, A replaced by G.
Molecular consequence: splice acceptor variant.
Genome position (GRCh38, 1-based): chr21:46,116,649, A>G. VCF-style: chr21-46116649-A-G. GRCh37 (hg19) VCF-style: chr21-47536563-A-G.
Other names: c.928-2A>G (NM_058175.3, NM_058174.3).
Identifiers: ClinVar variation 976375 (VCV000976375.1), dbSNP rs1440070681, ClinGen allele CA410526812.

ClinVar aggregate classification (germline): Likely pathogenic (1 of 4 stars; one submission).

Conditions:
Ullrich congenital muscular dystrophy 1A. Also called: Ullrich congenital muscular dystrophy 1; Intermediate COL6-RD. Identifiers: Orphanet 75840, MedGen C0410179, MONDO:0009681, OMIM 254090.

Allele frequency attached by ClinVar (database versions not stated): gnomAD exomes below 0.00001.
gnomAD v4.1: 2 of 1,612,952 alleles (0.00012%); highest among the groups gnomAD compares: Non-Finnish European, 0.00017%; no homozygotes.

Submission:

Institute of Human Genetics, University of Leipzig Medical Center
Classification: Likely pathogenic for Ullrich congenital muscular dystrophy 1A. Last evaluated: 2018-02-28. Review status: criteria provided, single submitter. Criteria: ACMG Guidelines, 2015. Collection method: clinical testing. Allele origin: germline. Affected: yes. Observed: 1 variant allele.
Comment: This variant was identified as homozygous